The following is an entry in ClinVar:

NM_000170.3(GLDC):c.2468G>A (p.Gly823Asp)

Gene: GLDC (glycine decarboxylase; minus strand). Cytogenetic location: 9p24.1.
Variant type: single nucleotide variant.
Coding change: c.2468G>A on transcript NM_000170.3 (MANE Select); coding-DNA position 2468, G replaced by A.
Protein change: p.Gly823Asp; replaces glycine 823 with aspartic acid.
Molecular consequence: missense variant.
Genome position (GRCh38, 1-based): chr9:6,550,904, C>T on the plus strand (G>A on the coding strand, the complement: GLDC is on the minus strand). VCF-style: chr9-6550904-C-T. GRCh37 (hg19) VCF-style: chr9-6550904-C-T.
Other names: short protein forms G823D.
Identifiers: ClinVar variation 2148126 (VCV002148126.1), dbSNP rs778306432, ClinGen allele CA4980198.

ClinVar aggregate classification (germline): Uncertain significance (1 of 4 stars; one submission).

Conditions:
Glycine encephalopathy. Also called: Non-ketotic hyperglycinemia; Nonketotic hyperglycinemia. Identifiers: Orphanet 407, MedGen C0751748, MONDO:0011612, HP:0008288.

Allele frequency attached by ClinVar (database versions not stated): gnomAD exomes below 0.00001; ExAC 0.00001; TOPMed 0.00001.
gnomAD v4.1: 4 of 1,606,502 alleles (0.00025%); highest among the groups gnomAD compares: Non-Finnish European, 0.00034%; no homozygotes.

Submission:

Labcorp Genetics (formerly Invitae), Labcorp
Classification: Uncertain significance for Glycine encephalopathy. Last evaluated: 2022-04-04. Review status: criteria provided, single submitter. Criteria: Invitae Variant Classification Sherloc (09022015). Collection method: clinical testing. Allele origin: germline.
Comment: This sequence change replaces glycine, which is neutral and non-polar, with aspartic acid, which is acidic and polar, at codon 823 of the GLDC protein (p.Gly823Asp). This variant is present in population databases (rs778306432, gnomAD 0.0009%). This variant has not been reported in the literature in individuals affected with GLDC-related conditions. Advanced modeling of protein sequence and biophysical properties (such as structural, functional, and spatial information, amino acid conservation, physicochemical variation, residue mobility, and thermodynamic stability) performed at Invitae indicates that this missense variant is not expected to disrupt GLDC protein function. In summary, the available evidence is currently insufficient to determine the role of this variant in disease. Therefore, it has been classified as a Variant of Uncertain Significance.